The following is an entry in ClinVar:

ClinVar aggregate classification (germline): Uncertain significance. Review status: criteria provided, multiple submitters, no conflicts (2 of 4 stars). 2 submissions from 2 submitters: Uncertain significance (2). Last evaluated 2025-04-09.

Conditions:
FHOD3-related disorder. Also called: FHOD3-related condition.
Cardiovascular phenotype. Identifiers: MedGen CN230736.

Allele frequency attached by ClinVar (database versions not stated): gnomAD 0.00001; TOPMed 0.00001; gnomAD exomes 0.00002; ExAC 0.00003; ESP Exome Variant Server 0.00008.
gnomAD v4.1: 35 of 1,614,052 alleles (0.0022%); highest among the groups gnomAD compares: South Asian, 0.023%; 1 homozygote.

Submissions (2):

Molecular Diagnostic Laboratory for Inherited Cardiovascular Disease, Montreal Heart Institute
Classification: Uncertain significance for Cardiovascular phenotype. Last evaluated: 2025-04-09. Review status: criteria provided, single submitter. Criteria: ACMG Guidelines, 2015. Collection method: clinical testing. Allele origin: germline. Affected: yes.

PreventionGenetics, part of Exact Sciences
Classification: Uncertain significance for FHOD3-related condition. Last evaluated: 2023-08-14. Review status: criteria provided, single submitter. Criteria: ACMG Guidelines, 2015. Collection method: clinical testing. Allele origin: germline.
Comment: The FHOD3 c.739A>G variant is predicted to result in the amino acid substitution p.Ile247Val. To our knowledge, this variant has not been reported in the literature. This variant is reported in 0.0065% of alleles in individuals of South Asian descent in gnomAD. At this time, the clinical significance of this variant is uncertain due to the absence of conclusive functional and genetic evidence.

NM_001281740.3(FHOD3):c.739A>G (p.Ile247Val)

Gene: FHOD3 (formin homology 2 domain containing 3; plus strand). Cytogenetic location: 18q12.2.
Variant type: single nucleotide variant.
Coding change: c.739A>G on transcript NM_001281740.3 (MANE Select); coding-DNA position 739, A replaced by G.
Protein change: p.Ile247Val; replaces isoleucine 247 with valine.
Molecular consequence: missense variant.
Genome position (GRCh38, 1-based): chr18:36,602,694, A>G. VCF-style: chr18-36602694-A-G. GRCh37 (hg19) VCF-style: chr18-34182657-A-G.
Other names: c.739A>G, p.Ile247Val (NM_001281739.3, NM_025135.5); short protein forms I247V.
Identifiers: ClinVar variation 2629302 (VCV002629302.2), dbSNP rs368891038, ClinGen allele CA8941411.